The following is an entry in ClinVar:

NM_001040108.2(MLH3):c.602T>G (p.Leu201Arg)

Gene: MLH3 (mutL homolog 3; minus strand). Cytogenetic location: 14q24.3.
Variant type: single nucleotide variant.
Coding change: c.602T>G on transcript NM_001040108.2 (MANE Select); coding-DNA position 602, T replaced by G.
Protein change: p.Leu201Arg; replaces leucine 201 with arginine.
Molecular consequence: missense variant.
Genome position (GRCh38, 1-based): chr14:75,049,054, A>C on the plus strand (T>G on the coding strand, the complement: MLH3 is on the minus strand). VCF-style: chr14-75049054-A-C. GRCh37 (hg19) VCF-style: chr14-75515757-A-C.
Other names: c.602T>G, p.Leu201Arg (NM_014381.3); short protein forms L201R.
Identifiers: ClinVar variation 1751179 (VCV001751179.3), dbSNP rs2139602615, ClinGen allele CA390449800.

ClinVar aggregate classification (germline): Uncertain significance. Review status: criteria provided, multiple submitters, no conflicts (2 of 4 stars). 2 submissions from 2 submitters: Uncertain significance (2). Last evaluated 2023-01-06.

Allele frequency attached by ClinVar (database versions not stated): gnomAD exomes below 0.00001.
gnomAD v4.1: 2 of 1,614,144 alleles (0.00012%); highest among the groups gnomAD compares: South Asian, 0.0022%; no homozygotes.

Submissions (2):

ARUP Laboratories, Molecular Genetics and Genomics, ARUP Laboratories
Classification: Uncertain significance. Last evaluated: 2023-01-06. Review status: criteria provided, single submitter. Criteria: ARUP Molecular Germline Variant Investigation Process 2024. Collection method: clinical testing. Allele origin: germline.
Comment: The MLH3 c.602T>G; p.Leu201Arg variant, to our knowledge, is not reported in the medical literature but is reported in ClinVar (Variation ID: 1751179). This variant is also absent from the Genome Aggregation Database, indicating it is not a common polymorphism. The leucine at codon 201 is highly conserved and computational analyses are uncertain whether this variant is neutral or deleterious (REVEL: 0.686). Due to limited information, the clinical significance of this variant is uncertain at this time.

Ambry Genetics
Classification: Uncertain significance. Last evaluated: 2021-01-07. Review status: criteria provided, single submitter. Criteria: Ambry Variant Classification Scheme 2023. Collection method: clinical testing. Allele origin: germline.
Comment: The p.L201R variant (also known as c.602T>G), located in coding exon 1 of the MLH3 gene, results from a T to G substitution at nucleotide position 602. The leucine at codon 201 is replaced by arginine, an amino acid with dissimilar properties. This amino acid position is well conserved in available vertebrate species. In addition, the in silico prediction for this alteration is inconclusive. Since supporting evidence is limited at this time, the clinical significance of this alteration remains unclear.